The following is an entry in ClinVar:

ClinVar aggregate classification (germline): Uncertain significance (1 of 4 stars; one submission).

Submission:

Labcorp Genetics (formerly Invitae), Labcorp
Classification: Uncertain significance. Last evaluated: 2024-05-23. Review status: criteria provided, single submitter. Criteria: Invitae Variant Classification Sherloc (09022015). Collection method: clinical testing. Allele origin: germline.
Comment: This sequence change replaces glutamine, which is neutral and polar, with lysine, which is basic and polar, at codon 1446 of the ARID1B protein (p.Gln1446Lys). This variant is not present in population databases (gnomAD no frequency). This variant has not been reported in the literature in individuals affected with ARID1B-related conditions. Advanced modeling of protein sequence and biophysical properties (such as structural, functional, and spatial information, amino acid conservation, physicochemical variation, residue mobility, and thermodynamic stability) has been performed at Invitae for this missense variant, however the output from this modeling did not meet the statistical confidence thresholds required to predict the impact of this variant on ARID1B protein function. In summary, the available evidence is currently insufficient to determine the role of this variant in disease. Therefore, it has been classified as a Variant of Uncertain Significance.

NM_001374828.1(ARID1B):c.4705C>A (p.Gln1569Lys)

Gene: ARID1B (AT-rich interaction domain 1B; plus strand). Cytogenetic location: 6q25.3.
Variant type: single nucleotide variant.
Coding change: c.4705C>A on transcript NM_001374828.1 (MANE Select); coding-DNA position 4705, C replaced by A.
Protein change: p.Gln1569Lys; replaces glutamine 1569 with lysine.
Molecular consequence: missense variant.
Genome position (GRCh38, 1-based): chr6:157,200,930, C>A. VCF-style: chr6-157200930-C-A. GRCh37 (hg19) VCF-style: chr6-157522064-C-A.
Other names: c.2206C>A, p.Gln736Lys (NM_001363725.2); c.4585C>A, p.Gln1529Lys (NM_001371656.1, NM_001374820.1); c.4546C>A, p.Gln1516Lys (NM_017519.3); short protein forms Q1529K, Q1516K, Q736K, Q1569K.
Identifiers: ClinVar variation 3691449 (VCV003691449.2).